The following is an entry in ClinVar:

NM_001354604.2(MITF):c.1569G>C (p.Glu523Asp)

Gene: MITF (melanocyte inducing transcription factor; plus strand). Cytogenetic location: 3p13.
Variant type: single nucleotide variant.
Coding change: c.1569G>C on transcript NM_001354604.2 (MANE Select); coding-DNA position 1569, G replaced by C.
Protein change: p.Glu523Asp; replaces glutamic acid 523 with aspartic acid.
Molecular consequence: missense variant.
Genome position (GRCh38, 1-based): chr3:69,965,236, G>C. VCF-style: chr3-69965236-G-C. GRCh37 (hg19) VCF-style: chr3-70014387-G-C.
Other names: c.1248G>C, p.Glu416Asp (NM_000248.4); c.1395G>C, p.Glu465Asp (NM_001184967.2, NM_001354608.2); c.1566G>C, p.Glu522Asp (NM_001354605.2); c.1548G>C, p.Glu516Asp (NM_001354606.2, NM_006722.3); c.1500G>C, p.Glu500Asp (NM_001354607.2); c.1230G>C, p.Glu410Asp (NM_198158.3); c.1551G>C, p.Glu517Asp (NM_198159.3); c.1503G>C, p.Glu501Asp (NM_198177.3); and 1 more; short protein forms E416D, E500D, E501D, E516D, E523D, E517D, E522D, E410D.
Identifiers: ClinVar variation 4055225 (VCV004055225.1).

ClinVar aggregate classification (germline): Uncertain significance (1 of 4 stars; one submission).

Conditions:
Hereditary cancer-predisposing syndrome. Also called: Neoplastic Syndromes, Hereditary; Tumor predisposition; Hereditary neoplastic syndrome; Hereditary Cancer Syndrome. Identifiers: Orphanet 140162, MedGen C0027672, MeSH D009386, MONDO:0015356.

Submission:

Ambry Genetics
Classification: Uncertain significance for Hereditary cancer-predisposing syndrome. Last evaluated: 2025-06-02. Review status: criteria provided, single submitter. Criteria: Ambry Variant Classification Scheme 2023. Collection method: clinical testing. Allele origin: germline.
Comment: The p.E416D variant (also known as c.1248G>C), located in coding exon 9 of the MITF gene, results from a G to C substitution at nucleotide position 1248. The glutamic acid at codon 416 is replaced by aspartic acid, an amino acid with highly similar properties. This amino acid position is conserved. In addition, this alteration is predicted to be tolerated by in silico analysis. Based on the available evidence, the clinical significance of this variant remains unclear.